The following is an entry in ClinVar:

ClinVar aggregate classification (germline): Uncertain significance. Review status: criteria provided, multiple submitters, no conflicts (2 of 4 stars). 2 submissions from 2 submitters: Uncertain significance (2). Last evaluated 2025-05-25.

Submissions (2):

Ambry Genetics
Classification: Uncertain significance. Last evaluated: 2025-05-25. Review status: criteria provided, single submitter. Criteria: Ambry Variant Classification Scheme 2023. Collection method: clinical testing. Allele origin: germline.
Comment: The p.Q639H variant (also known as c.1917G>C), located in coding exon 13 of the RINT1 gene, results from a G to C substitution at nucleotide position 1917. The glutamine at codon 639 is replaced by histidine, an amino acid with highly similar properties. This amino acid position is conserved. In addition, this alteration is predicted to be tolerated by in silico analysis. Since supporting evidence is limited at this time, the clinical significance of this alteration remains unclear.

Labcorp Genetics (formerly Invitae), Labcorp
Classification: Uncertain significance. Last evaluated: 2023-10-29. Review status: criteria provided, single submitter. Criteria: Invitae Variant Classification Sherloc (09022015). Collection method: clinical testing. Allele origin: germline.
Comment: This sequence change replaces glutamine, which is neutral and polar, with histidine, which is basic and polar, at codon 639 of the RINT1 protein (p.Gln639His). This variant is not present in population databases (gnomAD no frequency). This variant has not been reported in the literature in individuals affected with RINT1-related conditions. ClinVar contains an entry for this variant (Variation ID: 1782603). An algorithm developed to predict the effect of missense changes on protein structure and function (PolyPhen-2) suggests that this variant is likely to be disruptive. In summary, the available evidence is currently insufficient to determine the role of this variant in disease. Therefore, it has been classified as a Variant of Uncertain Significance.

NM_021930.6(RINT1):c.1917G>C (p.Gln639His)

Genes: EFCAB10 (EF-hand calcium binding domain 10; minus strand), RINT1 (RAD50 interactor 1; plus strand). Cytogenetic location: 7q22.3.
Variant type: single nucleotide variant.
Coding change: c.1917G>C on transcript NM_021930.6 (MANE Select); coding-DNA position 1917, G replaced by C.
Protein change: p.Gln639His; replaces glutamine 639 with histidine.
Molecular consequence: missense variant. On other transcripts: 3 prime UTR variant (3), non-coding transcript variant (1).
Genome position (GRCh38, 1-based): chr7:105,565,307, G>C. VCF-style: chr7-105565307-G-C. GRCh37 (hg19) VCF-style: chr7-105205754-G-C.
Other names: c.*140C>G (NM_001355526.2); c.*242C>G (NM_001355530.2); c.*95C>G (NM_001355531.2); c.1683G>C, p.Gln561His (NM_001346599.2); c.894G>C, p.Gln298His (NM_001346600.2, NM_001346603.2); c.993G>C, p.Gln331His (NM_001346601.2); short protein forms Q298H, Q639H, Q561H, Q331H.
Identifiers: ClinVar variation 1782603 (VCV001782603.6), dbSNP rs2485182408, ClinGen allele CA368814698.